The following is an entry in ClinVar:

NM_001290060.2(SEMA3B):c.80G>C (p.Ser27Thr)

Gene: SEMA3B (semaphorin 3B; plus strand). Cytogenetic location: 3p21.31.
Variant type: single nucleotide variant.
Coding change: c.80G>C on transcript NM_001290060.2 (MANE Select); coding-DNA position 80, G replaced by C.
Protein change: p.Ser27Thr; replaces serine 27 with threonine.
Molecular consequence: missense variant.
Genome position (GRCh38, 1-based): chr3:50,269,320, G>C. VCF-style: chr3-50269320-G-C. GRCh37 (hg19) VCF-style: chr3-50306752-G-C.
Other names: c.80G>C, p.Ser27Thr (NM_001005914.3, NM_001290061.1, NM_004636.4); short protein forms S27T.
Identifiers: ClinVar variation 3349314 (VCV003349314.1).

ClinVar aggregate classification (germline): Uncertain significance (0 of 4 stars; one submission).

Conditions:
SEMA3B-related disorder. Also called: SEMA3B-related condition.

Submission:

PreventionGenetics, part of Exact Sciences
Classification: Uncertain significance for SEMA3B-related condition. Last evaluated: 2024-04-09. Review status: no assertion criteria provided. Collection method: clinical testing. Allele origin: germline.
Comment: The SEMA3B c.80G>C variant is predicted to result in the amino acid substitution p.Ser27Thr. To our knowledge, this variant has not been reported in the literature or in gnomAD, indicating this variant is rare. At this time, the clinical significance of this variant is uncertain due to the absence of conclusive functional and genetic evidence.